The following is an entry in ClinVar:

ClinVar aggregate classification (germline): Uncertain significance (1 of 4 stars; one submission).

Conditions:
Amyotrophic lateral sclerosis type 4 (ALS4). Also called: NEURONOPATHY, DISTAL HEREDITARY MOTOR, WITH PYRAMIDAL FEATURES; AMYOTROPHIC LATERAL SCLEROSIS 4, JUVENILE. Identifiers: Orphanet 357043, MedGen C1865409, MONDO:0011223, OMIM 602433.
Spinocerebellar ataxia, autosomal recessive, with axonal neuropathy 2 (SCAN2). Also called: Ataxia-ocular apraxia-2; Ataxia with Oculomotor Apraxia Type 2; ATAXIA-OCULOMOTOR APRAXIA 2; Ataxia with Oculomotor Apraxia. Identifiers: Orphanet 64753, MedGen C1853761, MONDO:0018996, OMIM 606002.

Submission:

Labcorp Genetics (formerly Invitae), Labcorp
Classification: Uncertain significance for Amyotrophic lateral sclerosis type 4; Spinocerebellar ataxia, autosomal recessive, with axonal neuropathy 2. Last evaluated: 2023-11-15. Review status: criteria provided, single submitter. Criteria: Invitae Variant Classification Sherloc (09022015). Collection method: clinical testing. Allele origin: germline.
Comment: This sequence change replaces valine, which is neutral and non-polar, with glutamic acid, which is acidic and polar, at codon 1451 of the SETX protein (p.Val1451Glu). This variant is not present in population databases (gnomAD no frequency). This variant has not been reported in the literature in individuals affected with SETX-related conditions. Advanced modeling of protein sequence and biophysical properties (such as structural, functional, and spatial information, amino acid conservation, physicochemical variation, residue mobility, and thermodynamic stability) performed at Invitae indicates that this missense variant is not expected to disrupt SETX protein function with a negative predictive value of 95%. In summary, the available evidence is currently insufficient to determine the role of this variant in disease. Therefore, it has been classified as a Variant of Uncertain Significance.

NM_015046.7(SETX):c.4352T>A (p.Val1451Glu)

Gene: SETX (senataxin; minus strand). Cytogenetic location: 9q34.13.
Variant type: single nucleotide variant.
Coding change: c.4352T>A on transcript NM_015046.7 (MANE Select); coding-DNA position 4352, T replaced by A.
Protein change: p.Val1451Glu; replaces valine 1451 with glutamic acid.
Molecular consequence: missense variant.
Genome position (GRCh38, 1-based): chr9:132,327,246, A>T on the plus strand (T>A on the coding strand, the complement: SETX is on the minus strand). VCF-style: chr9-132327246-A-T. GRCh37 (hg19) VCF-style: chr9-135202633-A-T.
Other names: c.4352T>A, p.Val1451Glu (NM_001351527.2, NM_001351528.2); short protein forms V1451E.
Identifiers: ClinVar variation 2926433 (VCV002926433.3), dbSNP rs2539096973, ClinGen allele CA375326443.
Genomic context (GRCh38, chr9:132,327,246, plus strand): 5'-GTTGGATCACCTCCACCCAGAGGGTCTTCTGAAGTGGAGACAATTACTTCATTTGTTGGT[A>T]CTGTTCCATTTAACACTACAGAATCACACTGGTTCAAAGGGCAAGCATCATCAGTTGCTG-3'
Protein context (NP_055861.3, residues 1441-1461): QCDSVVLNGT[Val1451Glu]PTNEVIVSTS